The following is an entry in ClinVar:

ClinVar aggregate classification (germline): Uncertain significance (1 of 4 stars; one submission).

Conditions:
Cardiomyopathy (CMYO). Also called: Cardiomyopathies. Identifiers: Orphanet 167848, MedGen C0878544, MONDO:0004994, HP:0001638. Inheritance: Various modes of inheritance.

Allele frequency attached by ClinVar (database versions not stated): gnomAD exomes below 0.00001.
gnomAD v4.1: 1 of 1,582,114 alleles (0.000063%); highest among the groups gnomAD compares: East Asian, 0.0023%; no homozygotes.

Submission:

Color Diagnostics, LLC DBA Color Health
Classification: Uncertain significance for Cardiomyopathy. Last evaluated: 2022-01-04. Review status: criteria provided, single submitter. Criteria: ACMG Guidelines, 2015. Collection method: clinical testing. Allele origin: germline.
Comment: This missense variant replaces serine with proline at codon 3565 of the RYR2 protein. Computational prediction suggests that this variant may not impact protein structure and function (internally defined REVEL score threshold <= 0.5, PMID: 27666373). To our knowledge, functional studies have not been reported for this variant. This variant has not been reported in individuals affected with cardiovascular disorders in the literature. This variant has not been identified in the general population by the Genome Aggregation Database (gnomAD). The available evidence is insufficient to determine the role of this variant in disease conclusively. Therefore, this variant is classified as a Variant of Uncertain Significance.

NM_001035.3(RYR2):c.10693T>C (p.Ser3565Pro)

Gene: RYR2 (ryanodine receptor 2; plus strand). Cytogenetic location: 1q43.
Variant type: single nucleotide variant.
Coding change: c.10693T>C on transcript NM_001035.3 (MANE Select); coding-DNA position 10693, T replaced by C.
Protein change: p.Ser3565Pro; replaces serine 3565 with proline.
Molecular consequence: missense variant.
Genome position (GRCh38, 1-based): chr1:237,726,276, T>C. VCF-style: chr1-237726276-T-C. GRCh37 (hg19) VCF-style: chr1-237889576-T-C.
Other names: short protein forms S3565P.
Identifiers: ClinVar variation 2774379 (VCV002774379.2), dbSNP rs2526984340, ClinGen allele CA345416702.
Genomic context (GRCh38, chr1:237,726,276, plus strand): 5'-AGGATAATAAATGTAGTTTTACTTTTTTAGCTAACATAACATTTTTATTTCTTTCAGAAG[T>C]CTAAACGTGTGGGTCGGAGACATTACTGTCTGGGAAGTACAGTGCTCAATGGCCTAGAGA-3'
Protein context (NP_001026.2, residues 3555-3575): ANVLFHLEQK[Ser3565Pro]KRVGRRHYCL